The following is an entry in ClinVar:

NM_001035.3(RYR2):c.1226A>G (p.Gln409Arg)

Gene: RYR2 (ryanodine receptor 2; plus strand). Cytogenetic location: 1q43.
Variant type: single nucleotide variant.
Coding change: c.1226A>G on transcript NM_001035.3 (MANE Select); coding-DNA position 1226, A replaced by G.
Protein change: p.Gln409Arg; replaces glutamine 409 with arginine.
Molecular consequence: missense variant.
Genome position (GRCh38, 1-based): chr1:237,445,456, A>G. VCF-style: chr1-237445456-A-G. GRCh37 (hg19) VCF-style: chr1-237608756-A-G.
Other names: short protein forms Q409R.
Identifiers: ClinVar variation 3609038 (VCV003609038.2).
Genomic context (GRCh38, chr1:237,445,456, plus strand): 5'-TACAGGCTATTATGCATCATGAAGGCCACATGGATGATGGCATAAGTTTGTCGAGATCCC[A>G]GCATGAAGAATCACGCACAGCCCGAGTTATCCGGAGCACAGTCTTCCTTTTCAATAGATT-3'
Protein context (NP_001026.2, residues 399-419): MDDGISLSRS[Gln409Arg]HEESRTARVI

ClinVar aggregate classification (germline): Uncertain significance (1 of 4 stars; one submission).

Conditions:
Catecholaminergic polymorphic ventricular tachycardia 1. Also called: VENTRICULAR TACHYCARDIA, STRESS-INDUCED POLYMORPHIC 1; VENTRICULAR TACHYCARDIA, CATECHOLAMINERGIC POLYMORPHIC, 1, WITH OR WITHOUT ATRIAL DYSFUNCTION AND/OR DILATED CARDIOMYOPATHY; RYR2-Related Catecholaminergic Polymorphic Ventricular Tachycardia. Identifiers: Orphanet 3286, MedGen C1631597, MONDO:0011484, OMIM 604772.

gnomAD v4.1: 1 of 1,613,810 alleles (0.000062%); highest among the groups gnomAD compares: East Asian, 0.0022%; no homozygotes.

Submission:

Labcorp Genetics (formerly Invitae), Labcorp
Classification: Uncertain significance for Catecholaminergic polymorphic ventricular tachycardia 1. Last evaluated: 2024-09-27. Review status: criteria provided, single submitter. Criteria: Invitae Variant Classification Sherloc (09022015). Collection method: clinical testing. Allele origin: germline.
Comment: This sequence change replaces glutamine, which is neutral and polar, with arginine, which is basic and polar, at codon 409 of the RYR2 protein (p.Gln409Arg). This variant is not present in population databases (gnomAD no frequency). This variant has not been reported in the literature in individuals affected with RYR2-related conditions. Invitae Evidence Modeling of protein sequence and biophysical properties (such as structural, functional, and spatial information, amino acid conservation, physicochemical variation, residue mobility, and thermodynamic stability) indicates that this missense variant is expected to disrupt RYR2 protein function with a positive predictive value of 95%. In summary, the available evidence is currently insufficient to determine the role of this variant in disease. Therefore, it has been classified as a Variant of Uncertain Significance.